The following is an entry in ClinVar:

ClinVar aggregate classification (germline): Uncertain significance. Review status: criteria provided, multiple submitters, no conflicts (2 of 4 stars). 4 submissions from 4 submitters: Uncertain significance (4). Last evaluated 2025-08-17.

Conditions:
Inborn genetic diseases. Identifiers: MedGen C0950123, MeSH D030342.
Epidermolysis bullosa simplex, Ogna type (EBS5A). Also called: Pidermolysis bullosa simplex 5A, Ogna type; EPIDERMOLYSIS BULLOSA SIMPLEX 5A, OGNA TYPE. Identifiers: Orphanet 79401, MedGen C0432317, MONDO:0007555, OMIM 131950.
Epidermolysis bullosa simplex with nail dystrophy (EBS5D). Identifiers: MedGen C4225309, MONDO:0014661, OMIM 616487.
Epidermolysis bullosa simplex 5B, with muscular dystrophy (EBS5B). Also called: EPIDERMOLYSIS BULLOSA SIMPLEX AND LIMB-GIRDLE MUSCULAR DYSTROPHY; Epidermolysis bullosa simplex with muscular dystrophy. Identifiers: Orphanet 257, MedGen C2931072, MONDO:0009181, OMIM 226670.
Epidermolysis bullosa simplex 5C, with pyloric atresia (EBS5C). Also called: PLEC1-Related Epidermolysis Bullosa with Pyloric Atresia; PLEC-Related Epidermolysis Bullosa with Pyloric Atresia; Epidermolysis bullosa simplex with pyloric atresia. Identifiers: Orphanet 158684, MedGen C2677349, MONDO:0012807, OMIM 612138.
Autosomal recessive limb-girdle muscular dystrophy type 2Q (LGMDR17). Also called: MUSCULAR DYSTROPHY, LIMB-GIRDLE, AUTOSOMAL RECESSIVE 17. Identifiers: Orphanet 254361, MedGen C3150989, MONDO:0013390, OMIM 613723.

Allele frequency attached by ClinVar (database versions not stated): gnomAD 0.00003 and 0.00004; gnomAD exomes 0.00003; ExAC 0.00013.
gnomAD v4.1: 33 of 1,585,456 alleles (0.0021%); highest among the groups gnomAD compares: African/African-American, 0.011%; no homozygotes.

Submissions (4):

Labcorp Genetics (formerly Invitae), Labcorp
Classification: Uncertain significance for Autosomal recessive limb-girdle muscular dystrophy type 2Q; Epidermolysis bullosa simplex, Ogna type; Epidermolysis bullosa simplex with nail dystrophy; Epidermolysis bullosa simplex 5C, with pyloric atresia; Epidermolysis bullosa simplex 5B, with muscular dystrophy. Last evaluated: 2025-08-17. Review status: criteria provided, single submitter. Criteria: Invitae Variant Classification Sherloc (09022015). Collection method: clinical testing. Allele origin: germline.
Comment: This sequence change replaces arginine, which is basic and polar, with histidine, which is basic and polar, at codon 4529 of the PLEC protein (p.Arg4529His). This variant is present in population databases (rs782750785, gnomAD 0.01%). This variant has not been reported in the literature in individuals affected with PLEC-related conditions. ClinVar contains an entry for this variant (Variation ID: 853767). Invitae Evidence Modeling of protein sequence and biophysical properties (such as structural, functional, and spatial information, amino acid conservation, physicochemical variation, residue mobility, and thermodynamic stability) indicates that this missense variant is not expected to disrupt PLEC protein function with a negative predictive value of 80%. In summary, the available evidence is currently insufficient to determine the role of this variant in disease. Therefore, it has been classified as a Variant of Uncertain Significance.

Ambry Genetics
Classification: Uncertain significance for Inborn genetic diseases. Last evaluated: 2025-04-03. Review status: criteria provided, single submitter. Criteria: Ambry Variant Classification Scheme 2023. Collection method: clinical testing. Allele origin: germline.

Mayo Clinic Laboratories, Mayo Clinic
Classification: Uncertain significance. Last evaluated: 2025-02-28. Review status: criteria provided, single submitter. Criteria: ACMG Guidelines, 2015. Collection method: clinical testing. Allele origin: germline. Observed: 1 variant allele.

Blueprint Genetics
Classification: Uncertain significance. Last evaluated: 2020-12-28. Review status: criteria provided, single submitter. Criteria: ACMG Guidelines, 2015. Collection method: clinical testing. Allele origin: germline.

NM_201384.3(PLEC):c.13505G>A (p.Arg4502His)

Gene: PLEC (plectin; minus strand). Cytogenetic location: 8q24.3.
Variant type: single nucleotide variant.
Coding change: c.13505G>A on transcript NM_201384.3 (MANE Select); coding-DNA position 13505, G replaced by A.
Protein change: p.Arg4502His; replaces arginine 4502 with histidine.
Molecular consequence: missense variant.
Genome position (GRCh38, 1-based): chr8:143,916,316, C>T on the plus strand (G>A on the coding strand, the complement: PLEC is on the minus strand). VCF-style: chr8-143916316-C-T. GRCh37 (hg19) VCF-style: chr8-144990484-C-T.
Other names: p.Arg4529His; c.13586G>A (NM_000445.3); c.13586G>A, p.Arg4529His (NM_000445.5); c.13463G>A, p.Arg4488His (NM_201378.4); c.13439G>A, p.Arg4480His (NM_201379.3); c.13916G>A, p.Arg4639His (NM_201380.4); c.13409G>A, p.Arg4470His (NM_201381.3); c.13505G>A, p.Arg4502His (NM_201382.4); and 1 more; short protein forms R4470H, R4488H, R4506H, R4529H, R4639H, R4502H, R4480H.
Identifiers: ClinVar variation 853767 (VCV000853767.13), dbSNP rs782750785, ClinGen allele CA4923775.
Genomic context (GRCh38, chr8:143,916,316, plus strand): 5'-TAGGAGGATGAAGAGAAGGTCATGGAGAAGCCGGAGCCGGTGGCGTCAAAGCTGCCGCGG[C>T]GGGAGCCGGCCCGGGAGCCGGTGCGCGAGCCGGTGCGGGAGCCAGCGGTAGAGCCGGAGC-3'
Protein context (NP_958786.1, residues 4492-4512): GSRTGSRAGS[Arg4502His]RGSFDATGSG